The following is an entry in ClinVar:

ClinVar aggregate classification (germline): Uncertain significance (1 of 4 stars; one submission).

Allele frequency attached by ClinVar (database versions not stated): TOPMed below 0.00001; gnomAD exomes 0.00001; ExAC 0.00003.
gnomAD v4.1: 13 of 1,612,630 alleles (0.00081%); highest among the groups gnomAD compares: Non-Finnish European, 0.00051%; no homozygotes.

Submission:

Labcorp Genetics (formerly Invitae), Labcorp
Classification: Uncertain significance. Last evaluated: 2025-05-07. Review status: criteria provided, single submitter. Criteria: Invitae Variant Classification Sherloc (09022015). Collection method: clinical testing. Allele origin: germline.
Comment: This sequence change replaces alanine, which is neutral and non-polar, with valine, which is neutral and non-polar, at codon 287 of the FAR1 protein (p.Ala287Val). This variant is present in population databases (rs753671320, gnomAD 0.03%). This variant has not been reported in the literature in individuals affected with FAR1-related conditions. ClinVar contains an entry for this variant (Variation ID: 1946317). Invitae Evidence Modeling of protein sequence and biophysical properties (such as structural, functional, and spatial information, amino acid conservation, physicochemical variation, residue mobility, and thermodynamic stability) indicates that this missense variant is not expected to disrupt FAR1 protein function with a negative predictive value of 80%. In summary, the available evidence is currently insufficient to determine the role of this variant in disease. Therefore, it has been classified as a Variant of Uncertain Significance.

NM_032228.6(FAR1):c.860C>T (p.Ala287Val)

Gene: FAR1 (fatty acyl-CoA reductase 1; plus strand). Cytogenetic location: 11p15.3.
Variant type: single nucleotide variant.
Coding change: c.860C>T on transcript NM_032228.6 (MANE Select); coding-DNA position 860, C replaced by T.
Protein change: p.Ala287Val; replaces alanine 287 with valine.
Molecular consequence: missense variant.
Genome position (GRCh38, 1-based): chr11:13,712,019, C>T. VCF-style: chr11-13712019-C-T. GRCh37 (hg19) VCF-style: chr11-13733566-C-T.
Other names: short protein forms A287V.
Identifiers: ClinVar variation 1946317 (VCV001946317.5), dbSNP rs753671320, ClinGen allele CA5893401.